The following is an entry in ClinVar:

ClinVar aggregate classification (germline): Uncertain significance (1 of 4 stars; one submission).

Conditions:
ALG6-congenital disorder of glycosylation 1C (CDG1C). Also called: CDG Ic; CARBOHYDRATE-DEFICIENT GLYCOPROTEIN SYNDROME, TYPE I, WITH DEFICIENT GLYCOSYLATION OF DOLICHOL-LINKED OLIGOSACCHARIDE; CARBOHYDRATE-DEFICIENT GLYCOPROTEIN SYNDROME, TYPE V; Congenital disorder of glycosylation type 1C; Congenital disorder of glycosylation, type Ic. Identifiers: Orphanet 79320, MedGen C2930997, MONDO:0011291, OMIM 603147.

Submission:

Labcorp Genetics (formerly Invitae), Labcorp
Classification: Uncertain significance for ALG6-congenital disorder of glycosylation 1C. Last evaluated: 2022-03-09. Review status: criteria provided, single submitter. Criteria: Invitae Variant Classification Sherloc (09022015). Collection method: clinical testing. Allele origin: germline.
Comment: This sequence change replaces glutamic acid, which is acidic and polar, with aspartic acid, which is acidic and polar, at codon 2 of the ALG6 protein (p.Glu2Asp). This variant is not present in population databases (gnomAD no frequency). This variant has not been reported in the literature in individuals affected with ALG6-related conditions. Algorithms developed to predict the effect of missense changes on protein structure and function output the following: SIFT: "Tolerated"; PolyPhen-2: "Benign"; Align-GVGD: "Class C0". The aspartic acid amino acid residue is found in multiple mammalian species, which suggests that this missense change does not adversely affect protein function. In summary, the available evidence is currently insufficient to determine the role of this variant in disease. Therefore, it has been classified as a Variant of Uncertain Significance.

NM_013339.4(ALG6):c.6G>T (p.Glu2Asp)

Gene: ALG6 (ALG6 alpha-1,3-glucosyltransferase; plus strand). Cytogenetic location: 1p31.3.
Variant type: single nucleotide variant.
Coding change: c.6G>T on transcript NM_013339.4 (MANE Select); coding-DNA position 6, G replaced by T.
Protein change: p.Glu2Asp; replaces glutamic acid 2 with aspartic acid.
Molecular consequence: missense variant.
Genome position (GRCh38, 1-based): chr1:63,370,983, G>T. VCF-style: chr1-63370983-G-T. GRCh37 (hg19) VCF-style: chr1-63836654-G-T.
Other names: short protein forms E2D.
Identifiers: ClinVar variation 2160933 (VCV002160933.1), dbSNP rs2523646147, ClinGen allele CA340636728.
Genomic context (GRCh38, chr1:63,370,983, plus strand): 5'-AAAGTACTCTGGCACTGGTGCTGTGTTTTCTTCCCCTCCCTAAATTTGAAGAACTATGGA[G>T]AAATGGTACTTGATGACAGTAGTGGTTTTAATAGGACTAACAGTACGATGGACAGTGTCT-3'
Protein context (NP_037471.2, residues 1-12): M[Glu2Asp]KWYLMTVVVL